The following is an entry in ClinVar:

NM_000017.4(ACADS):c.796-11G>A

Gene: ACADS (acyl-CoA dehydrogenase short chain; plus strand). Cytogenetic location: 12q24.31.
Variant type: single nucleotide variant.
Coding change: c.796-11G>A on transcript NM_000017.4 (MANE Select); 11 bases into the intron before coding-DNA position 796, G replaced by A.
Molecular consequence: intron variant.
Genome position (GRCh38, 1-based): chr12:120,738,522, G>A. VCF-style: chr12-120738522-G-A. GRCh37 (hg19) VCF-style: chr12-121176325-G-A.
Other names: c.784-11G>A (NM_001302554.2).
Identifiers: ClinVar variation 2145442 (VCV002145442.4), dbSNP rs754038559, ClinGen allele CA6831073.

ClinVar aggregate classification (germline): Uncertain significance (1 of 4 stars; one submission).

Conditions:
Deficiency of butyryl-CoA dehydrogenase (ACADSD). Also called: SCADH DEFICIENCY; SCAD Deficiency; ACADS DEFICIENCY; Short-Chain Acyl-CoA Dehydrogenase Deficiency; ACYL-CoA DEHYDROGENASE, SHORT-CHAIN, DEFICIENCY OF; SCAD DEFICIENCY, MILD. Identifiers: Orphanet 26792, MedGen C0342783, MONDO:0008722, OMIM 201470. Disease mechanism: May be benign.

Allele frequency attached by ClinVar (database versions not stated): TOPMed 0.00001; ExAC 0.00002.
gnomAD v4.1: 7 of 1,607,668 alleles (0.00044%); highest among the groups gnomAD compares: East Asian, 0.0022%; no homozygotes.

Submission:

Labcorp Genetics (formerly Invitae), Labcorp
Classification: Uncertain significance for Deficiency of butyryl-CoA dehydrogenase. Last evaluated: 2022-10-17. Review status: criteria provided, single submitter. Criteria: Invitae Variant Classification Sherloc (09022015). Collection method: clinical testing. Allele origin: germline.
Comment: In summary, the available evidence is currently insufficient to determine the role of this variant in disease. Therefore, it has been classified as a Variant of Uncertain Significance. Algorithms developed to predict the effect of sequence changes on RNA splicing suggest that this variant may create or strengthen a splice site. This variant has not been reported in the literature in individuals affected with ACADS-related conditions. This variant is present in population databases (rs754038559, gnomAD 0.006%). This sequence change falls in intron 6 of the ACADS gene. It does not directly change the encoded amino acid sequence of the ACADS protein.